The following is an entry in ClinVar:

ClinVar aggregate classification (germline): Conflicting classifications of pathogenicity. Review status: criteria provided, conflicting classifications (1 of 4 stars). 3 submissions from 2 submitters: Uncertain significance (2); Likely benign (1). Last evaluated 2025-09-01.

Conditions:
Lethal Kniest-like syndrome (DDSH). Also called: Dyssegmental Dysplasia. Identifiers: Orphanet 1865, MedGen C1857100, MONDO:0009140, OMIM 224410.
Schwartz-Jampel syndrome. Also called: Myotonic myopathy dwarfism chondrodystrophy and ocular and facial abnormalities. Identifiers: Orphanet 800, MedGen C0036391, MONDO:0009717.

Allele frequency attached by ClinVar (database versions not stated): gnomAD exomes below 0.00001 and 0.00006; gnomAD 0.00002; TOPMed 0.00005; ESP Exome Variant Server 0.00008.
gnomAD v4.1: 94 of 1,612,340 alleles (0.0058%); highest among the groups gnomAD compares: Non-Finnish European, 0.0078%; no homozygotes.

Submissions (3):

CeGaT Center for Human Genetics Tuebingen
Classification: Likely benign. Last evaluated: 2025-09-01. Review status: criteria provided, single submitter. Criteria: CeGaT Center For Human Genetics Tuebingen Variant Classification Criteria Version 2. Collection method: clinical testing. Allele origin: germline. Affected: yes. Observed: 1 variant allele.
Comment: HSPG2: BP4, BP7

Illumina Laboratory Services, Illumina
Classification: Uncertain significance for Schwartz-Jampel syndrome type 1. Last evaluated: 2018-01-13. Review status: criteria provided, single submitter. Criteria: ICSL Variant Classification Criteria 13 December 2019. Collection method: clinical testing. Allele origin: germline.

Illumina Laboratory Services, Illumina
Classification: Uncertain significance for Lethal Kniest-like syndrome. Last evaluated: 2018-01-13. Review status: criteria provided, single submitter. Criteria: ICSL Variant Classification Criteria 13 December 2019. Collection method: clinical testing. Allele origin: germline.

NM_005529.7(HSPG2):c.10032C>T (p.Thr3344=)

Gene: HSPG2 (heparan sulfate proteoglycan 2; minus strand). Cytogenetic location: 1p36.12.
Variant type: single nucleotide variant.
Coding change: c.10032C>T on transcript NM_005529.7 (MANE Select); coding-DNA position 10032, C replaced by T.
Protein change: p.Thr3344=; no amino-acid change (threonine 3344 retained).
Molecular consequence: synonymous variant.
Genome position (GRCh38, 1-based): chr1:21,838,943, G>A on the plus strand (C>T on the coding strand, the complement: HSPG2 is on the minus strand). VCF-style: chr1-21838943-G-A. GRCh37 (hg19) VCF-style: chr1-22165436-G-A.
Other names: c.10035C>T, p.Thr3345= (NM_001291860.2).
Identifiers: ClinVar variation 874883 (VCV000874883.11), dbSNP rs373818366, ClinGen allele CA19103239.